The following is an entry in ClinVar:

NM_004186.5(SEMA3F):c.522C>T (p.Leu174=)

Gene: SEMA3F (semaphorin 3F; plus strand). Cytogenetic location: 3p21.31.
Variant type: single nucleotide variant.
Coding change: c.522C>T on transcript NM_004186.5 (MANE Select); coding-DNA position 522, C replaced by T.
Protein change: p.Leu174=; no amino-acid change (leucine 174 retained).
Molecular consequence: synonymous variant. On other transcripts: intron variant (2).
Genome position (GRCh38, 1-based): chr3:50,175,161, C>T. VCF-style: chr3-50175161-C-T. GRCh37 (hg19) VCF-style: chr3-50212594-C-T.
Other names: c.252+811C>T (NM_001318798.2); c.456+811C>T (NM_001318800.2).
Identifiers: ClinVar variation 4982967 (VCV004982967.1).

ClinVar aggregate classification (germline): Likely benign (1 of 4 stars; one submission).

Conditions:
SEMA3F-related disorder. Also called: SEMA3F-related condition.

gnomAD v4.1: 1 of 1,605,872 alleles (0.000062%); highest among the groups gnomAD compares: Admixed American, 0.0017%; no homozygotes.

Submission:

PreventionGenetics, part of Exact Sciences
Classification: Likely benign for SEMA3F-related condition. Last evaluated: 2026-07-02. Review status: criteria provided, single submitter. Criteria: ACMG Guidelines, 2015. Collection method: clinical testing. Allele origin: germline.
Comment: This variant is classified as likely benign based on ACMG/AMP sequence variant interpretation guidelines (Richards et al. 2015 PMID: 25741868, with internal and published modifications).